The following is an entry in ClinVar:

ClinVar aggregate classification (germline): Uncertain significance (1 of 4 stars; one submission).

Submission:

Women's Health and Genetics/Laboratory Corporation of America, LabCorp
Classification: Uncertain significance. Last evaluated: 2022-08-22. Review status: criteria provided, single submitter. Criteria: LabCorp Variant Classification Summary - May 2015. Collection method: clinical testing. Allele origin: germline.
Comment: Variant summary: CACNA1G c.4421A>T (p.Gln1474Leu) results in a non-conservative amino acid change located in the Ion transport domain (IPR005821) of the encoded protein sequence. Four of five in-silico tools predict a damaging effect of the variant on protein function. As the variant is located in the exonic splice region close to the intronic splice donor site, 4/4 computational tools predict no significant impact on normal splicing. However, these predictions have yet to be confirmed by functional studies. The variant was absent in 249372 control chromosomes. The available data on variant occurrences in the general population are insufficient to allow any conclusion about variant significance. To our knowledge, no occurrence of c.4421A>T in individuals affected with Spinocerebellar Ataxia Type 42 and no experimental evidence demonstrating its impact on protein function have been reported. No clinical diagnostic laboratories have submitted clinical-significance assessments for this variant to ClinVar after 2014. Based on the evidence outlined above, the variant was classified as uncertain significance.

NM_018896.5(CACNA1G):c.4421A>T (p.Gln1474Leu)

Gene: CACNA1G (calcium voltage-gated channel subunit alpha1 G; plus strand). Cytogenetic location: 17q21.33.
Variant type: single nucleotide variant.
Coding change: c.4421A>T on transcript NM_018896.5 (MANE Select); coding-DNA position 4421, A replaced by T.
Protein change: p.Gln1474Leu; replaces glutamine 1474 with leucine.
Molecular consequence: missense variant. On other transcripts: non-coding transcript variant (5).
Genome position (GRCh38, 1-based): chr17:50,606,022, A>T. VCF-style: chr17-50606022-A-T. GRCh37 (hg19) VCF-style: chr17-48683383-A-T.
Other names: c.4421A>T, p.Gln1474Leu (NM_198386.3, NM_001256324.2, NM_001256325.2 and 16 more transcripts); c.4352A>T, p.Gln1451Leu (NM_198387.3, NM_198388.3, NM_198396.3 and 5 more transcripts); short protein forms Q1451L, Q1474L.
Identifiers: ClinVar variation 1705173 (VCV001705173.1), dbSNP rs2545536938, ClinGen allele CA400257040.
Genomic context (GRCh38, chr17:50,606,022, plus strand): 5'-ACTGTGCCGAGGCCAGTTACCGGTGGGTCCGGCACAAGTACAACTTTGACAACCTTGGCC[A>T]GGTGAGCCCCAGGCTCAGAGGTGGGGCTGTGGTGAAGGAGGCTGGAGGGGGCACAGGGCC-3'
Protein context (NP_061496.2, residues 1464-1484): RHKYNFDNLG[Gln1474Leu]ALMSLFVLAS